The following is an entry in ClinVar:

ClinVar aggregate classification (germline): Uncertain significance (1 of 4 stars; one submission).

Allele frequency attached by ClinVar (database versions not stated): gnomAD exomes below 0.00001; TOPMed below 0.00001; gnomAD 0.00001.
gnomAD v4.1: 5 of 1,610,498 alleles (0.00031%); highest among the groups gnomAD compares: Non-Finnish European, 0.00042%; no homozygotes.

Submission:

Labcorp Genetics (formerly Invitae), Labcorp
Classification: Uncertain significance. Last evaluated: 2022-03-10. Review status: criteria provided, single submitter. Criteria: Invitae Variant Classification Sherloc (09022015). Collection method: clinical testing. Allele origin: germline.
Comment: This sequence change replaces serine, which is neutral and polar, with glycine, which is neutral and non-polar, at codon 1598 of the CDH23 protein (p.Ser1598Gly). This variant is not present in population databases (gnomAD no frequency). This variant has not been reported in the literature in individuals affected with CDH23-related conditions. Algorithms developed to predict the effect of missense changes on protein structure and function output the following: SIFT: "Tolerated"; PolyPhen-2: "Not Available"; Align-GVGD: "Class C0". The glycine amino acid residue is found in multiple mammalian species, which suggests that this missense change does not adversely affect protein function. In summary, the available evidence is currently insufficient to determine the role of this variant in disease. Therefore, it has been classified as a Variant of Uncertain Significance.

NM_022124.6(CDH23):c.4792A>G (p.Ser1598Gly)

Gene: CDH23 (cadherin related 23; plus strand). Cytogenetic location: 10q22.1.
Variant type: single nucleotide variant.
Coding change: c.4792A>G on transcript NM_022124.6 (MANE Select); coding-DNA position 4792, A replaced by G.
Protein change: p.Ser1598Gly; replaces serine 1598 with glycine.
Molecular consequence: missense variant.
Genome position (GRCh38, 1-based): chr10:71,741,868, A>G. VCF-style: chr10-71741868-A-G. GRCh37 (hg19) VCF-style: chr10-73501625-A-G.
Other names: short protein forms S1598G.
Identifiers: ClinVar variation 1415205 (VCV001415205.5), dbSNP rs1203367843, ClinGen allele CA377130352.